The following is an entry in ClinVar:

NM_004320.6(ATP2A1):c.839A>G (p.Asn280Ser)

Gene: ATP2A1 (ATPase sarcoplasmic/endoplasmic reticulum Ca2+ transporting 1; plus strand). Cytogenetic location: 16p11.2.
Variant type: single nucleotide variant.
Coding change: c.839A>G on transcript NM_004320.6 (MANE Select); coding-DNA position 839, A replaced by G.
Protein change: p.Asn280Ser; replaces asparagine 280 with serine.
Molecular consequence: missense variant.
Genome position (GRCh38, 1-based): chr16:28,887,633, A>G. VCF-style: chr16-28887633-A-G. GRCh37 (hg19) VCF-style: chr16-28898954-A-G.
Other names: c.464A>G, p.Asn155Ser (NM_001286075.2); c.839A>G, p.Asn280Ser (NM_173201.5); c.839A>G (NM_173201.4); short protein forms N280S, N155S.
Identifiers: ClinVar variation 387826 (VCV000387826.20), dbSNP rs143777158, ClinGen allele CA7986767.
Genomic context (GRCh38, chr16:28,887,633, plus strand): 5'-TCTCCAAGGTCATCTCCCTCATCTGTGTGGCTGTCTGGCTTATCAACATTGGCCACTTCA[A>G]CGACCCCGTCCATGGGGGCTCCTGGTTCCGCGGGGCCATCTACTACTTTAAGATTGCCGT-3'
Protein context (NP_004311.1, residues 270-290): AVWLINIGHF[Asn280Ser]DPVHGGSWFR

ClinVar aggregate classification (germline): Benign/Likely benign. Review status: criteria provided, multiple submitters, no conflicts (2 of 4 stars). 7 submissions from 7 submitters: Benign (5); Likely benign (2). Last evaluated 2026-01-27.

Conditions:
Brody myopathy. Also called: BRODY DISEASE. Identifiers: Orphanet 53347, MedGen C1832918, MONDO:0010977, OMIM 601003.

Allele frequency attached by ClinVar (database versions not stated): gnomAD exomes 0.00046 and 0.00095; ExAC 0.00120; ESP Exome Variant Server 0.00346; gnomAD 0.00384 and 0.00407; 1000 Genomes Project 30x 0.00406; TOPMed 0.00435; 1000 Genomes Project 0.00439.
gnomAD v4.1: 1,321 of 1,614,074 alleles (0.082%); highest among the groups gnomAD compares: African/African-American, 1.4%; 16 homozygotes.

Submissions (7):

Labcorp Genetics (formerly Invitae), Labcorp
Classification: Benign for Brody myopathy. Last evaluated: 2026-01-27. Review status: criteria provided, single submitter. Criteria: Invitae Variant Classification Sherloc (09022015). Collection method: clinical testing. Allele origin: germline.

Genomic Medicine Center of Excellence, King Faisal Specialist Hospital and Research Centre
Classification: Likely benign. Last evaluated: 2025-08-18. Review status: criteria provided, single submitter. Criteria: ACMG Guidelines, 2015. Collection method: clinical testing. Allele origin: germline.

Blueprint Genetics
Classification: Likely benign. Last evaluated: 2024-09-23. Review status: criteria provided, single submitter. Criteria: ACMG Guidelines, 2015. Collection method: clinical testing. Allele origin: germline.

Athena Diagnostics
Classification: Benign. Last evaluated: 2021-01-13. Review status: criteria provided, single submitter. Criteria: Athena Diagnostics criteria. Collection method: clinical testing. Allele origin: unknown.

GeneDx
Classification: Benign. Last evaluated: 2019-11-18. Review status: criteria provided, single submitter. Criteria: GeneDx Variant Classification Process June 2021. Collection method: clinical testing. Allele origin: germline. Affected: yes.

Illumina Laboratory Services, Illumina
Classification: Benign for Brody myopathy. Last evaluated: 2018-01-12. Review status: criteria provided, single submitter. Criteria: ICSL Variant Classification Criteria 13 December 2019. Collection method: clinical testing. Allele origin: germline.
Comment: This variant was observed in the ICSL laboratory as part of a predisposition screen in an ostensibly healthy population. It had not been previously curated by ICSL or reported in the Human Gene Mutation Database (HGMD: prior to June 1st, 2018), and was therefore a candidate for classification through an automated scoring system. Utilizing variant allele frequency, disease prevalence and penetrance estimates, and inheritance mode, an automated score was calculated to assess if this variant is too frequent to cause the disease. Based on the score and internal cut-off values, a variant classified as benign is not then subjected to further curation. The score for this variant resulted in a classification of benign for this disease.

Breakthrough Genomics
Classification: Benign. Review status: criteria provided, single submitter. Criteria: ACMG Guidelines, 2015. Collection method: not provided. Allele origin: germline. Inheritance: Autosomal recessive inheritance. Affected: yes.